The following is an entry in ClinVar:

ClinVar aggregate classification (germline): Uncertain significance. Review status: criteria provided, multiple submitters, no conflicts (2 of 4 stars). 2 submissions from 2 submitters: Uncertain significance (2). Last evaluated 2022-03-27.

Conditions:
Familial adenomatous polyposis 1 (FAP1). Also called: FAMILIAL ADENOMATOUS POLYPOSIS 1, ATTENUATED; POLYPOSIS, ADENOMATOUS INTESTINAL. Identifiers: MedGen C2713442, MONDO:0021056, OMIM 175100. Disease mechanism: loss of function.

Allele frequency attached by ClinVar (database versions not stated): TOPMed 0.00001.

Submissions (2):

Labcorp Genetics (formerly Invitae), Labcorp
Classification: Uncertain significance for Familial adenomatous polyposis 1. Last evaluated: 2022-03-27. Review status: criteria provided, single submitter. Criteria: Invitae Variant Classification Sherloc (09022015). Collection method: clinical testing. Allele origin: germline.
Comment: In summary, the available evidence is currently insufficient to determine the role of this variant in disease. Therefore, it has been classified as a Variant of Uncertain Significance. Algorithms developed to predict the effect of missense changes on protein structure and function (SIFT, PolyPhen-2, Align-GVGD) all suggest that this variant is likely to be disruptive. ClinVar contains an entry for this variant (Variation ID: 584679). This variant has not been reported in the literature in individuals affected with APC-related conditions. This variant is not present in population databases (gnomAD no frequency). This sequence change replaces tryptophan, which is neutral and slightly polar, with glycine, which is neutral and non-polar, at codon 2547 of the APC protein (p.Trp2547Gly).

Mendelics
Classification: Uncertain significance for Familial adenomatous polyposis 1. Last evaluated: 2018-07-02. Review status: criteria provided, single submitter. Criteria: Mendelics Assertion Criteria 2017. Collection method: clinical testing. Allele origin: unknown.

NM_000038.6(APC):c.7639T>G (p.Trp2547Gly)

Gene: APC (APC regulator of Wnt signaling pathway; plus strand). Cytogenetic location: 5q22.2.
Variant type: single nucleotide variant.
Coding change: c.7639T>G on transcript NM_000038.6 (MANE Select); coding-DNA position 7639, T replaced by G.
Protein change: p.Trp2547Gly; replaces tryptophan 2547 with glycine.
Molecular consequence: missense variant.
Genome position (GRCh38, 1-based): chr5:112,843,233, T>G. VCF-style: chr5-112843233-T-G. GRCh37 (hg19) VCF-style: chr5-112178930-T-G.
Other names: c.7639T>G, p.Trp2547Gly (NM_001127510.3, NM_001354895.2); c.7585T>G, p.Trp2529Gly (NM_001127511.3); c.7693T>G, p.Trp2565Gly (NM_001354896.2); c.7669T>G, p.Trp2557Gly (NM_001354897.2); c.7564T>G, p.Trp2522Gly (NM_001354898.2); c.7555T>G, p.Trp2519Gly (NM_001354899.2); c.7516T>G, p.Trp2506Gly (NM_001354900.2); c.7462T>G, p.Trp2488Gly (NM_001354901.2); and 5 more; short protein forms W2529G, W2547G, W2488G, W2506G, W2519G, W2557G, W2264G, W2421G.
Identifiers: ClinVar variation 584679 (VCV000584679.6), dbSNP rs1476294154, ClinGen allele CA16037923.
Genomic context (GRCh38, chr5:112,843,233, plus strand): 5'-GATATTGCACGGTCTCATTCTGAAAGTCCTTCTAGACTTCCAATCAATAGGTCAGGAACC[T>G]GGAAACGTGAGCACAGCAAACATTCATCATCCCTTCCTCGAGTAAGCACTTGGAGAAGAA-3'
Protein context (NP_000029.2, residues 2537-2557): SRLPINRSGT[Trp2547Gly]KREHSKHSSS